The following is an entry in ClinVar:

NM_001292063.2(OTOG):c.7769A>G (p.Glu2590Gly)

Gene: OTOG (otogelin; plus strand). Cytogenetic location: 11p15.1.
Variant type: single nucleotide variant.
Coding change: c.7769A>G on transcript NM_001292063.2 (MANE Select); coding-DNA position 7769, A replaced by G.
Protein change: p.Glu2590Gly; replaces glutamic acid 2590 with glycine.
Molecular consequence: missense variant.
Genome position (GRCh38, 1-based): chr11:17,635,685, A>G. VCF-style: chr11-17635685-A-G. GRCh37 (hg19) VCF-style: chr11-17657232-A-G.
Other names: c.7805A>G, p.Glu2602Gly (NM_001277269.2); short protein forms E2590G, E2602G.
Identifiers: ClinVar variation 4808096 (VCV004808096.1).

ClinVar aggregate classification (germline): Uncertain significance (1 of 4 stars; one submission).

Submission:

Labcorp Genetics (formerly Invitae), Labcorp
Classification: Uncertain significance. Last evaluated: 2025-03-05. Review status: criteria provided, single submitter. Criteria: Invitae Variant Classification Sherloc (09022015). Collection method: clinical testing. Allele origin: germline.
Comment: This sequence change replaces glutamic acid, which is acidic and polar, with glycine, which is neutral and non-polar, at codon 2602 of the OTOG protein (p.Glu2602Gly). This variant is not present in population databases (gnomAD no frequency). This variant has not been reported in the literature in individuals affected with OTOG-related conditions. An algorithm developed to predict the effect of missense changes on protein structure and function (PolyPhen-2) suggests that this variant is likely to be disruptive. In summary, the available evidence is currently insufficient to determine the role of this variant in disease. Therefore, it has been classified as a Variant of Uncertain Significance.